The following is an entry in ClinVar:

NM_001177316.2(SLC34A3):c.1211-1G>A

Gene: SLC34A3 (solute carrier family 34 member 3; plus strand). Cytogenetic location: 9q34.3.
Variant type: single nucleotide variant.
Coding change: c.1211-1G>A on transcript NM_001177316.2 (MANE Select); the canonical splice acceptor site of the intron before coding-DNA position 1211, G replaced by A.
Molecular consequence: splice acceptor variant.
Genome position (GRCh38, 1-based): chr9:137,234,606, G>A. VCF-style: chr9-137234606-G-A. GRCh37 (hg19) VCF-style: chr9-140129058-G-A.
Other names: c.1211-1G>A (NM_001177317.2, NM_080877.3).
Identifiers: ClinVar variation 4769742 (VCV004769742.1).

ClinVar aggregate classification (germline): Likely pathogenic (1 of 4 stars; one submission).

Submission:

Labcorp Genetics (formerly Invitae), Labcorp
Classification: Likely pathogenic. Last evaluated: 2025-08-06. Review status: criteria provided, single submitter. Criteria: Invitae Variant Classification Sherloc (09022015). Collection method: clinical testing. Allele origin: germline.
Comment: This sequence change affects an acceptor splice site in intron 11 of the SLC34A3 gene. It is expected to disrupt RNA splicing. Variants that disrupt the donor or acceptor splice site typically lead to a loss of protein function (PMID: 16199547), and loss-of-function variants in SLC34A3 are known to be pathogenic (PMID: 16358214, 16358215, 22159077). This variant is not present in population databases (gnomAD no frequency). This variant has not been reported in the literature in individuals affected with SLC34A3-related conditions. Algorithms developed to predict the effect of sequence changes on RNA splicing suggest that this variant may disrupt the consensus splice site. In summary, the currently available evidence indicates that the variant is pathogenic, but additional data are needed to prove that conclusively. Therefore, this variant has been classified as Likely Pathogenic.

Literature cited by the submitters: PubMed 16199547; PubMed 16358214; PubMed 16358215; PubMed 22159077.